The following is an entry in ClinVar:

NM_013372.7(GREM1):c.313G>C (p.Glu105Gln)

Gene: GREM1 (gremlin 1, DAN family BMP antagonist; plus strand). Cytogenetic location: 15q13.3.
Variant type: single nucleotide variant.
Coding change: c.313G>C on transcript NM_013372.7 (MANE Select); coding-DNA position 313, G replaced by C.
Protein change: p.Glu105Gln; replaces glutamic acid 105 with glutamine.
Molecular consequence: missense variant.
Genome position (GRCh38, 1-based): chr15:32,731,003, G>C. VCF-style: chr15-32731003-G-C. GRCh37 (hg19) VCF-style: chr15-33023204-G-C.
Other names: c.103G>C, p.Glu35Gln (NM_001191322.2); c.190G>C, p.Glu64Gln (NM_001191323.2); c.313G>C, p.Glu105Gln (NM_001368719.1); short protein forms E105Q, E64Q, E35Q.
Identifiers: ClinVar variation 3855657 (VCV003855657.1).

ClinVar aggregate classification (germline): Uncertain significance (1 of 4 stars; one submission).

Conditions:
Hereditary cancer-predisposing syndrome. Also called: Hereditary neoplastic syndrome; Neoplastic Syndromes, Hereditary; Tumor predisposition; Hereditary Cancer Syndrome. Identifiers: Orphanet 140162, MedGen C0027672, MeSH D009386, MONDO:0015356.

Submission:

Ambry Genetics
Classification: Uncertain significance for Hereditary cancer-predisposing syndrome. Last evaluated: 2025-01-17. Review status: criteria provided, single submitter. Criteria: Ambry Variant Classification Scheme 2023. Collection method: clinical testing. Allele origin: germline.
Comment: The p.E105Q variant (also known as c.313G>C), located in coding exon 1 of the GREM1 gene, results from a G to C substitution at nucleotide position 313. The glutamic acid at codon 105 is replaced by glutamine, an amino acid with highly similar properties. This amino acid position is conserved. In addition, the in silico prediction for this alteration is inconclusive. Based on the available evidence, the clinical significance of this variant remains unclear.